The following is an entry in ClinVar:

NR_033294.2(SNORD118):n.42G>C

Genes: SNORD118 (small nucleolar RNA, C/D box 118; minus strand), TMEM107 (transmembrane protein 107; minus strand). Cytogenetic location: 17p13.1.
Variant type: single nucleotide variant.
Molecular consequence: non-coding transcript variant (on NR_033294.2). On other transcripts: 3 prime UTR variant (5).
Genome position: GRCh38 VCF-style: chr17-8173547-C-G. GRCh37 (hg19) VCF-style: chr17-8076865-C-G.
Other names: c.*656G>C (NM_001351278.2, NM_001351279.2, NM_001351280.2 and 2 more transcripts).
Identifiers: ClinVar variation 5009233 (VCV005009233.1).

ClinVar aggregate classification (germline): Uncertain significance (1 of 4 stars; one submission).

gnomAD v4.1: 8 of 765,330 alleles (0.001%); highest among the groups gnomAD compares: African/African-American, 0.01%; no homozygotes.

Submission:

GeneDx
Classification: Uncertain significance. Last evaluated: 2026-03-18. Review status: criteria provided, single submitter. Criteria: GeneDx Variant Classification Process June 2021. Collection method: clinical testing. Allele origin: germline.
Comment: Has not been previously published as pathogenic or benign to our knowledge; Located in a non-coding RNA